The following is an entry in ClinVar:

NM_001035.3(RYR2):c.1643G>A (p.Cys548Tyr)

Gene: RYR2 (ryanodine receptor 2; plus strand). Cytogenetic location: 1q43.
Variant type: single nucleotide variant.
Coding change: c.1643G>A on transcript NM_001035.3 (MANE Select); coding-DNA position 1643, G replaced by A.
Protein change: p.Cys548Tyr; replaces cysteine 548 with tyrosine.
Molecular consequence: missense variant.
Genome position (GRCh38, 1-based): chr1:237,469,122, G>A. VCF-style: chr1-237469122-G-A. GRCh37 (hg19) VCF-style: chr1-237632422-G-A.
Other names: short protein forms C548Y.
Identifiers: ClinVar variation 841217 (VCV000841217.11), dbSNP rs1660401182, ClinGen allele CA345383699.
Genomic context (GRCh38, chr1:237,469,122, plus strand): 5'-TAAAGGTGAAATCTATTTCTTCTTTTGCAGCGGCTCTAATTAGAGGAAATCGTAAAAACT[G>A]TGCTCAATTTTCTGGCTCCCTCGACTGGTTGATCAGCAGATTGGAAAGACTGGAAGCTTC-3'
Protein context (NP_001026.2, residues 538-558): AALIRGNRKN[Cys548Tyr]AQFSGSLDWL

ClinVar aggregate classification (germline): Uncertain significance (1 of 4 stars; one submission).

Conditions:
Catecholaminergic polymorphic ventricular tachycardia 1. Also called: VENTRICULAR TACHYCARDIA, CATECHOLAMINERGIC POLYMORPHIC, 1, WITH OR WITHOUT ATRIAL DYSFUNCTION AND/OR DILATED CARDIOMYOPATHY; VENTRICULAR TACHYCARDIA, STRESS-INDUCED POLYMORPHIC 1; RYR2-Related Catecholaminergic Polymorphic Ventricular Tachycardia. Identifiers: Orphanet 3286, MedGen C1631597, MONDO:0011484, OMIM 604772.

Submission:

Labcorp Genetics (formerly Invitae), Labcorp
Classification: Uncertain significance for Catecholaminergic polymorphic ventricular tachycardia 1. Last evaluated: 2019-08-09. Review status: criteria provided, single submitter. Criteria: Invitae Variant Classification Sherloc (09022015). Collection method: clinical testing. Allele origin: germline.
Comment: In summary, the available evidence is currently insufficient to determine the role of this variant in disease. Therefore, it has been classified as a Variant of Uncertain Significance. Algorithms developed to predict the effect of missense changes on protein structure and function (SIFT, PolyPhen-2, Align-GVGD) all suggest that this variant is likely to be disruptive, but these predictions have not been confirmed by published functional studies and their clinical significance is uncertain. This variant has not been reported in the literature in individuals with RYR2-related conditions. This variant is not present in population databases (ExAC no frequency). This sequence change replaces cysteine with tyrosine at codon 548 of the RYR2 protein (p.Cys548Tyr). The cysteine residue is highly conserved and there is a large physicochemical difference between cysteine and tyrosine.